The following is an entry in ClinVar:

ClinVar aggregate classification (germline): Uncertain significance. Review status: criteria provided, multiple submitters, no conflicts (2 of 4 stars). 2 submissions from 2 submitters: Uncertain significance (2). Last evaluated 2024-05-15.

Conditions:
Multiple endocrine neoplasia type 4. Also called: MULTIPLE ENDOCRINE NEOPLASIA, TYPE IV. Identifiers: Orphanet 276152, MedGen C1970712, MONDO:0012552, OMIM 610755.
Hereditary cancer-predisposing syndrome. Also called: Hereditary Cancer Syndrome; Neoplastic Syndromes, Hereditary; Hereditary neoplastic syndrome; Tumor predisposition. Identifiers: Orphanet 140162, MedGen C0027672, MeSH D009386, MONDO:0015356.

Submissions (2):

Ambry Genetics
Classification: Uncertain significance for Hereditary cancer-predisposing syndrome. Last evaluated: 2024-05-15. Review status: criteria provided, single submitter. Criteria: Ambry Variant Classification Scheme 2023. Collection method: clinical testing. Allele origin: germline.
Comment: The c.328_339del12 variant (also known as p.S110_R113del) is located in coding exon 1 of the CDKN1B gene. This variant results from an in-frame AGCGGGAGCCGC deletion at nucleotide positions 328 to 339. This results in the in-frame deletion of four amino acids at codons 110 to 113. This amino acid region is not well conserved in available vertebrate species. In addition, the in silico prediction for this alteration is inconclusive (Choi Y et al. PLoS ONE. 2012; 7(10):e46688). Based on the available evidence, the clinical significance of this variant remains unclear.

Labcorp Genetics (formerly Invitae), Labcorp
Classification: Uncertain significance for Multiple endocrine neoplasia type 4. Last evaluated: 2024-05-07. Review status: criteria provided, single submitter. Criteria: Invitae Variant Classification Sherloc (09022015). Collection method: clinical testing. Allele origin: germline.
Comment: This variant, c.328_339del, results in the deletion of 4 amino acid(s) of the CDKN1B protein (p.Ser110_Arg113del), but otherwise preserves the integrity of the reading frame. This variant is not present in population databases (gnomAD no frequency). This variant has not been reported in the literature in individuals affected with CDKN1B-related conditions. ClinVar contains an entry for this variant (Variation ID: 1987501). Experimental studies and prediction algorithms are not available or were not evaluated, and the functional significance of this variant is currently unknown. In summary, the available evidence is currently insufficient to determine the role of this variant in disease. Therefore, it has been classified as a Variant of Uncertain Significance.

NM_004064.5(CDKN1B):c.328_339del (p.Ser110_Arg113del)

Gene: CDKN1B (cyclin dependent kinase inhibitor 1B; plus strand). Cytogenetic location: 12p13.1.
Variant type: Deletion.
Coding change: c.328_339del on transcript NM_004064.5 (MANE Select); coding-DNA positions 328 to 339, 12 bases deleted (AGCGGGAGCCGC).
Protein change: p.Ser110_Arg113del.
Molecular consequence: inframe deletion.
Genome position (GRCh38, 1-based): chr12:12,718,167-12,718,178, AGCGGGAGCCGC deleted; deleting any 12 consecutive bases within chr12:12,718,166-12,718,178 gives the same sequence; the c. name uses the placement nearest the transcript's 3' end. VCF-style (leftmost placement, unchanged base first): chr12-12718165-TCAGCGGGAGCCG-T. GRCh37 (hg19) VCF-style: chr12-12871099-TCAGCGGGAGCCG-T.
Other names: c.328_339del12 (NM_004064.3).
Identifiers: ClinVar variation 1987501 (VCV001987501.5), dbSNP rs2497405251, ClinGen allele CA2580085202.